The following is an entry in ClinVar:

NM_001195263.2(PDZD7):c.222C>G (p.Ile74Met)

Gene: PDZD7 (PDZ domain containing 7; minus strand). Cytogenetic location: 10q24.31.
Variant type: single nucleotide variant.
Coding change: c.222C>G on transcript NM_001195263.2 (MANE Select); coding-DNA position 222, C replaced by G.
Protein change: p.Ile74Met; replaces isoleucine 74 with methionine.
Molecular consequence: missense variant.
Genome position (GRCh38, 1-based): chr10:101,029,998, G>C on the plus strand (C>G on the coding strand, the complement: PDZD7 is on the minus strand). VCF-style: chr10-101029998-G-C. GRCh37 (hg19) VCF-style: chr10-102789755-G-C.
Other names: c.222C>G, p.Ile74Met (NM_001351044.2, NM_024895.5); short protein forms I74M.
Identifiers: ClinVar variation 1381181 (VCV001381181.6), dbSNP rs2134156639, ClinGen allele CA378231158.
Genomic context (GRCh38, chr10:101,029,998, plus strand): 5'-TTGTCCCCTACCCCCACCCTCCCCAACCCAGGCCAGTGGCTGGGTCCCGCCCCTACCTTC[G>C]ATGGGGGAGTTGATGAGGATGACGCGTCCCATGGGCGATGAGGCTCGGATTCCGCGGGGG-3'
Protein context (NP_001182192.1, residues 64-84): MGRVILINSP[Ile74Met]EANSDESDII

ClinVar aggregate classification (germline): Uncertain significance (1 of 4 stars; one submission).

gnomAD v4.1: 1 of 1,598,846 alleles (0.000063%); highest among the groups gnomAD compares: Non-Finnish European, 0.000085%; no homozygotes.

Submission:

Labcorp Genetics (formerly Invitae), Labcorp
Classification: Uncertain significance. Last evaluated: 2022-03-10. Review status: criteria provided, single submitter. Criteria: Invitae Variant Classification Sherloc (09022015). Collection method: clinical testing. Allele origin: germline.
Comment: In summary, the available evidence is currently insufficient to determine the role of this variant in disease. Therefore, it has been classified as a Variant of Uncertain Significance. Algorithms developed to predict the effect of missense changes on protein structure and function are either unavailable or do not agree on the potential impact of this missense change (SIFT: "Deleterious"; PolyPhen-2: "Not Available"; Align-GVGD: "Class C0"). This variant has not been reported in the literature in individuals affected with PDZD7-related conditions. This variant is not present in population databases (gnomAD no frequency). This sequence change replaces isoleucine, which is neutral and non-polar, with methionine, which is neutral and non-polar, at codon 74 of the PDZD7 protein (p.Ile74Met).